The following is an entry in ClinVar:

ClinVar aggregate classification (germline): Uncertain significance (1 of 4 stars; one submission).

Submission:

Ambry Genetics
Classification: Uncertain significance. Last evaluated: 2022-06-04. Review status: criteria provided, single submitter. Criteria: Ambry Variant Classification Scheme 2023. Collection method: clinical testing. Allele origin: germline.
Comment: The p.N25T variant (also known as c.74A>C), located in coding exon 2 of the RINT1 gene, results from an A to C substitution at nucleotide position 74. The asparagine at codon 25 is replaced by threonine, an amino acid with similar properties. This amino acid position is conserved. In addition, this alteration is predicted to be tolerated by in silico analysis. Since supporting evidence is limited at this time, the clinical significance of this alteration remains unclear.

NM_021930.6(RINT1):c.74A>C (p.Asn25Thr)

Gene: RINT1 (RAD50 interactor 1; plus strand). Cytogenetic location: 7q22.3.
Variant type: single nucleotide variant.
Coding change: c.74A>C on transcript NM_021930.6 (MANE Select); coding-DNA position 74, A replaced by C.
Protein change: p.Asn25Thr; replaces asparagine 25 with threonine.
Molecular consequence: missense variant. On other transcripts: 5 prime UTR variant (4), non-coding transcript variant (1).
Genome position (GRCh38, 1-based): chr7:105,532,855, A>C. VCF-style: chr7-105532855-A-C. GRCh37 (hg19) VCF-style: chr7-105173302-A-C.
Other names: c.-24A>C (NM_001346599.2); c.-946A>C (NM_001346600.2); c.-849A>C (NM_001346601.2); c.-469A>C (NM_001346603.2); short protein forms N25T.
Identifiers: ClinVar variation 1759198 (VCV001759198.2), dbSNP rs2485090781, ClinGen allele CA368799421.